The following is an entry in ClinVar:

ClinVar aggregate classification (germline): Uncertain significance (1 of 4 stars; one submission).

Conditions:
Hereditary cancer-predisposing syndrome. Also called: Neoplastic Syndromes, Hereditary; Hereditary neoplastic syndrome; Tumor predisposition; Hereditary Cancer Syndrome. Identifiers: Orphanet 140162, MedGen C0027672, MeSH D009386, MONDO:0015356.

Submission:

Labcorp Genetics (formerly Invitae), Labcorp
Classification: Uncertain significance for Hereditary cancer-predisposing syndrome. Last evaluated: 2022-05-28. Review status: criteria provided, single submitter. Criteria: Invitae Variant Classification Sherloc (09022015). Collection method: clinical testing. Allele origin: germline.
Comment: Algorithms developed to predict the effect of missense changes on protein structure and function (SIFT, PolyPhen-2, Align-GVGD) all suggest that this variant is likely to be tolerated. In summary, the available evidence is currently insufficient to determine the role of this variant in disease. Therefore, it has been classified as a Variant of Uncertain Significance. This variant has not been reported in the literature in individuals affected with RAD50-related conditions. This variant is not present in population databases (gnomAD no frequency). This sequence change replaces glutamine, which is neutral and polar, with arginine, which is basic and polar, at codon 1019 of the RAD50 protein (p.Gln1019Arg).

NM_005732.4(RAD50):c.3056A>G (p.Gln1019Arg)

Gene: RAD50 (RAD50 double strand break repair protein; plus strand). Cytogenetic location: 5q31.1.
Variant type: single nucleotide variant.
Coding change: c.3056A>G on transcript NM_005732.4 (MANE Select); coding-DNA position 3056, A replaced by G.
Protein change: p.Gln1019Arg; replaces glutamine 1019 with arginine.
Molecular consequence: missense variant.
Genome position (GRCh38, 1-based): chr5:132,616,022, A>G. VCF-style: chr5-132616022-A-G. GRCh37 (hg19) VCF-style: chr5-131951714-A-G.
Other names: short protein forms Q1019R.
Identifiers: ClinVar variation 1999946 (VCV001999946.4), dbSNP rs2479384278, ClinGen allele CA360963438.